The following is an entry in ClinVar:

ClinVar aggregate classification (germline): Uncertain significance (1 of 4 stars; one submission).

Conditions:
Gastrointestinal stromal tumor. Also called: Gastrointestinal stromal tumor, somatic; Gastrointestinal stroma tumor. Identifiers: Orphanet 44890, MedGen C0238198, MeSH D046152, MONDO:0011719, OMIM 606764, HP:0100723.
Pheochromocytoma/paraganglioma syndrome 3. Also called: SDHC-Related Hereditary Paraganglioma-Pheochromocytoma Syndrome (Paragangliomas 3); SDHC-Related Hereditary Paraganglioma-Pheochromocytoma Syndrome; Paragangliomas 3; GLOMUS TUMORS, FAMILIAL, 3. Identifiers: Orphanet 29072, MedGen C1854336, MONDO:0011544, OMIM 605373.

Submission:

Labcorp Genetics (formerly Invitae), Labcorp
Classification: Uncertain significance for Pheochromocytoma/paraganglioma syndrome 3; Gastrointestinal stromal tumor. Last evaluated: 2024-04-08. Review status: criteria provided, single submitter. Criteria: Invitae Variant Classification Sherloc (09022015). Collection method: clinical testing. Allele origin: germline.
Comment: This sequence change replaces isoleucine, which is neutral and non-polar, with valine, which is neutral and non-polar, at codon 113 of the SDHC protein (p.Ile113Val). This variant is not present in population databases (gnomAD no frequency). This variant has not been reported in the literature in individuals affected with SDHC-related conditions. ClinVar contains an entry for this variant (Variation ID: 574445). An algorithm developed to predict the effect of missense changes on protein structure and function (PolyPhen-2) suggests that this variant is likely to be tolerated. In summary, the available evidence is currently insufficient to determine the role of this variant in disease. Therefore, it has been classified as a Variant of Uncertain Significance.

NM_003001.5(SDHC):c.337A>G (p.Ile113Val)

Gene: SDHC (succinate dehydrogenase complex subunit C; plus strand). Cytogenetic location: 1q23.3.
Variant type: single nucleotide variant.
Coding change: c.337A>G on transcript NM_003001.5 (MANE Select); coding-DNA position 337, A replaced by G.
Protein change: p.Ile113Val; replaces isoleucine 113 with valine.
Molecular consequence: missense variant. On other transcripts: non-coding transcript variant (1), intron variant (3).
Genome position (GRCh38, 1-based): chr1:161,356,772, A>G. VCF-style: chr1-161356772-A-G. GRCh37 (hg19) VCF-style: chr1-161326562-A-G.
Other names: c.235A>G, p.Ile79Val (NM_001035512.3); c.178A>G, p.Ile60Val (NM_001035513.3); c.457A>G, p.Ile153Val (NM_001407115.1); c.280A>G, p.Ile94Val (NM_001407116.1); c.274A>G, p.Ile92Val (NM_001407117.1); c.229A>G, p.Ile77Val (NM_001407118.1); c.226A>G, p.Ile76Val (NM_001407119.1, NM_001407120.1); c.242-5557A>G (NM_001035511.3); and 2 more; short protein forms I113V, I79V, I60V, I153V, I94V, I77V, I76V, I92V.
Identifiers: ClinVar variation 574445 (VCV000574445.7), dbSNP rs1558182863, ClinGen allele CA343456529.